The following is an entry in ClinVar:

NM_001369.3(DNAH5):c.2260-2A>G

Genes: DNAH5 (dynein axonemal heavy chain 5; minus strand), DNAH5-AS1 (DNAH5 antisense RNA 1; plus strand). Cytogenetic location: 5p15.2.
Variant type: single nucleotide variant.
Coding change: c.2260-2A>G on transcript NM_001369.3 (MANE Select); the canonical splice acceptor site of the intron before coding-DNA position 2260, A replaced by G.
Molecular consequence: splice acceptor variant.
Genome position (GRCh38, 1-based): chr5:13,894,823, T>C on the plus strand (A>G on the coding strand, the complement: DNAH5 is on the minus strand). VCF-style: chr5-13894823-T-C. GRCh37 (hg19) VCF-style: chr5-13894932-T-C.
Identifiers: ClinVar variation 954807 (VCV000954807.8), dbSNP rs1773706886, ClinGen allele CA359201564.
Genomic context (GRCh38, chr5:13,894,823, plus strand): 5'-AATTGCTCAATGGCAGCAGGTATTTTTGACTTCACTCTCTGATATTCAGCTAGCATCATC[T>C]GCAATGAAATTGGGGTTAAGTAATCAATTAATATCTCACTTCTAATGTCTGTTAATATCT-3'

ClinVar aggregate classification (germline): Likely pathogenic (1 of 4 stars; one submission).

Conditions:
Primary ciliary dyskinesia. Also called: Ciliary dyskinesia. Identifiers: Orphanet 244, MedGen C0008780, MONDO:0016575, HP:0012265.

Submission:

Labcorp Genetics (formerly Invitae), Labcorp
Classification: Likely pathogenic for Primary ciliary dyskinesia. Last evaluated: 2022-02-03. Review status: criteria provided, single submitter. Criteria: Invitae Variant Classification Sherloc (09022015). Collection method: clinical testing. Allele origin: germline.
Comment: In summary, the currently available evidence indicates that the variant is pathogenic, but additional data are needed to prove that conclusively. Therefore, this variant has been classified as Likely Pathogenic. Algorithms developed to predict the effect of sequence changes on RNA splicing suggest that this variant may disrupt the consensus splice site. ClinVar contains an entry for this variant (Variation ID: 954807). This variant has not been reported in the literature in individuals affected with DNAH5-related conditions. This variant is not present in population databases (gnomAD no frequency). This sequence change affects an acceptor splice site in intron 15 of the DNAH5 gene. It is expected to disrupt RNA splicing. Variants that disrupt the donor or acceptor splice site typically lead to a loss of protein function (PMID: 16199547), and loss-of-function variants in DNAH5 are known to be pathogenic (PMID: 11788826, 16627867).

Literature cited by the submitters: PubMed 16199547; PubMed 11788826; PubMed 16627867.